The following is an entry in ClinVar:

NM_138576.4(BCL11B):c.1735G>A (p.Ala579Thr)

Gene: BCL11B (BCL11 transcription factor B; minus strand). Cytogenetic location: 14q32.2.
Variant type: single nucleotide variant.
Coding change: c.1735G>A on transcript NM_138576.4 (MANE Select); coding-DNA position 1735, G replaced by A.
Protein change: p.Ala579Thr; replaces alanine 579 with threonine.
Molecular consequence: missense variant.
Genome position (GRCh38, 1-based): chr14:99,175,101, C>T on the plus strand (G>A on the coding strand, the complement: BCL11B is on the minus strand). VCF-style: chr14-99175101-C-T. GRCh37 (hg19) VCF-style: chr14-99641438-C-T.
Other names: c.1732G>A, p.Ala578Thr (NM_001282237.2); c.1519G>A, p.Ala507Thr (NM_001282238.2); c.1522G>A, p.Ala508Thr (NM_022898.3); c.1735G>A (NM_138576.2); short protein forms A507T, A578T, A579T, A508T.
Identifiers: ClinVar variation 1446080 (VCV001446080.9), dbSNP rs1274911424, ClinGen allele CA390934715.

ClinVar aggregate classification (germline): Uncertain significance. Review status: criteria provided, multiple submitters, no conflicts (2 of 4 stars). 2 submissions from 2 submitters: Uncertain significance (2). Last evaluated 2025-11-03.

Conditions:
Inborn genetic diseases. Identifiers: MedGen C0950123, MeSH D030342.

Allele frequency attached by ClinVar (database versions not stated): gnomAD exomes below 0.00001 and 0.00003; gnomAD 0.00002; TOPMed 0.00002.
gnomAD v4.1: 56 of 1,598,368 alleles (0.0035%); highest among the groups gnomAD compares: Non-Finnish European, 0.0043%; no homozygotes.

Submissions (2):

Labcorp Genetics (formerly Invitae), Labcorp
Classification: Uncertain significance. Last evaluated: 2025-11-03. Review status: criteria provided, single submitter. Criteria: Invitae Variant Classification Sherloc (09022015). Collection method: clinical testing. Allele origin: germline.
Comment: This sequence change replaces alanine, which is neutral and non-polar, with threonine, which is neutral and polar, at codon 579 of the BCL11B protein (p.Ala579Thr). The frequency data for this variant in the population databases is considered unreliable, as metrics indicate poor data quality at this position in the gnomAD database. This variant has not been reported in the literature in individuals affected with BCL11B-related conditions. ClinVar contains an entry for this variant (Variation ID: 1446080). Invitae Evidence Modeling of protein sequence and biophysical properties (such as structural, functional, and spatial information, amino acid conservation, physicochemical variation, residue mobility, and thermodynamic stability) indicates that this missense variant is not expected to disrupt BCL11B protein function with a negative predictive value of 95%. In summary, the available evidence is currently insufficient to determine the role of this variant in disease. Therefore, it has been classified as a Variant of Uncertain Significance.

Ambry Genetics
Classification: Uncertain significance for Inborn genetic diseases. Last evaluated: 2024-05-08. Review status: criteria provided, single submitter. Criteria: Ambry Variant Classification Scheme 2023. Collection method: clinical testing. Allele origin: germline.